The following is an entry in ClinVar:

ClinVar aggregate classification (germline): Uncertain significance. Review status: criteria provided, single submitter (1 of 4 stars). 2 submissions from 2 submitters: Uncertain significance (1). 1 of the submissions does not count toward it. Last evaluated 2024-12-17.

Conditions:
Nemaline myopathy 2 (NEM2). Also called: Nemaline myopathy 2, autosomal recessive. Identifiers: MedGen C1850569, MONDO:0009725, OMIM 256030.

Allele frequency attached by ClinVar (database versions not stated): gnomAD exomes 0.00001; ExAC 0.00002.

Submissions (2):

Labcorp Genetics (formerly Invitae), Labcorp
Classification: Uncertain significance for Nemaline myopathy 2. Last evaluated: 2024-12-17. Review status: criteria provided, single submitter. Criteria: Invitae Variant Classification Sherloc (09022015). Collection method: clinical testing. Allele origin: germline.
Comment: This variant, c.1649_1651del, is a complex sequence change that results in the deletion of 2 and insertion of 1 amino acid(s) in the NEB protein (p.Lys550_Val551delinsIle). This variant is present in population databases (rs746163908, gnomAD 0.007%). This variant has not been reported in the literature in individuals affected with NEB-related conditions. ClinVar contains an entry for this variant (Variation ID: 550202). Experimental studies and prediction algorithms are not available or were not evaluated, and the functional significance of this variant is currently unknown. In summary, the available evidence is currently insufficient to determine the role of this variant in disease. Therefore, it has been classified as a Variant of Uncertain Significance.

Counsyl
Classification: Uncertain significance for Nemaline myopathy 2. Last evaluated: 2016-12-21. Review status: no assertion criteria provided. Collection method: clinical testing. Allele origin: unknown. Not counted in ClinVar's aggregate classification.

NM_001164508.2(NEB):c.1649_1651del (p.Lys550_Val551delinsIle)

Gene: NEB (nebulin; minus strand). Cytogenetic location: 2q23.3.
Variant type: Deletion.
Coding change: c.1649_1651del on transcript NM_001164508.2 (MANE Select); coding-DNA positions 1649 to 1651, 3 bases deleted (AAG; older notation c.1649_1651delAAG).
Protein change: p.Lys550_Val551delinsIle.
Molecular consequence: inframe indel.
Genome position (GRCh38, 1-based): chr2:151,695,601-151,695,603, CTT deleted on the plus strand (AAG on the coding strand, the reverse complement: NEB is on the minus strand). VCF-style (leftmost placement, unchanged base first): chr2-151695600-ACTT-A. GRCh37 (hg19) VCF-style: chr2-152552114-ACTT-A.
Other names: c.1649_1651del, p.Lys550_Val551delinsIle (NM_001164507.2, NM_001271208.2, NM_004543.5).
Identifiers: ClinVar variation 550202 (VCV000550202.4), dbSNP rs746163908, ClinGen allele CA1911499.